The following is an entry in ClinVar:

NM_000051.4(ATM):c.1490C>T (p.Ser497Phe)

Gene: ATM (ATM serine/threonine kinase; plus strand). Cytogenetic location: 11q22.3.
Variant type: single nucleotide variant.
Coding change: c.1490C>T on transcript NM_000051.4 (MANE Select); coding-DNA position 1490, C replaced by T.
Protein change: p.Ser497Phe; replaces serine 497 with phenylalanine.
Molecular consequence: missense variant.
Genome position (GRCh38, 1-based): chr11:108,250,955, C>T. VCF-style: chr11-108250955-C-T. GRCh37 (hg19) VCF-style: chr11-108121682-C-T.
Other names: c.1490C>T (NM_000051.3); c.1490C>T, p.Ser497Phe (NM_001351834.2); short protein forms S497F.
Identifiers: ClinVar variation 1349582 (VCV001349582.4), dbSNP rs2135324525, ClinGen allele CA382534208.

ClinVar aggregate classification (germline): Uncertain significance. Review status: criteria provided, multiple submitters, no conflicts (2 of 4 stars). 2 submissions from 2 submitters: Uncertain significance (2). Last evaluated 2025-02-09.

Conditions:
Ataxia-telangiectasia syndrome (AT). Also called: Ataxia-telangiectasia, complementation group D; ATAXIA-TELANGIECTASIA, COMPLEMENTATION GROUP A; ATAXIA-TELANGIECTASIA, FRESNO VARIANT; Ataxia-telangiectasia, complementation group E; Cerebello-oculocutaneous telangiectasia; Immunodeficiency with ataxia telangiectasia. Identifiers: Orphanet 100, MedGen C0004135, MONDO:0008840, OMIM 208900.
Hereditary cancer-predisposing syndrome. Also called: Hereditary Cancer Syndrome; Neoplastic Syndromes, Hereditary; Tumor predisposition; Hereditary neoplastic syndrome. Identifiers: Orphanet 140162, MedGen C0027672, MeSH D009386, MONDO:0015356.

Submissions (2):

Ambry Genetics
Classification: Uncertain significance for Hereditary cancer-predisposing syndrome. Last evaluated: 2025-02-09. Review status: criteria provided, single submitter. Criteria: Ambry Variant Classification Scheme 2023. Collection method: clinical testing. Allele origin: germline.
Comment: The p.S497F variant (also known as c.1490C>T), located in coding exon 9 of the ATM gene, results from a C to T substitution at nucleotide position 1490. The serine at codon 497 is replaced by phenylalanine, an amino acid with highly dissimilar properties. This amino acid position is conserved. In addition, this alteration is predicted to be tolerated by in silico analysis. Based on the available evidence, the clinical significance of this variant remains unclear.

Labcorp Genetics (formerly Invitae), Labcorp
Classification: Uncertain significance for Ataxia-telangiectasia syndrome. Last evaluated: 2022-01-21. Review status: criteria provided, single submitter. Criteria: Invitae Variant Classification Sherloc (09022015). Collection method: clinical testing. Allele origin: germline.
Comment: This sequence change replaces serine, which is neutral and polar, with phenylalanine, which is neutral and non-polar, at codon 497 of the ATM protein (p.Ser497Phe). This variant is not present in population databases (gnomAD no frequency). This variant has not been reported in the literature in individuals affected with ATM-related conditions. Advanced modeling of protein sequence and biophysical properties (such as structural, functional, and spatial information, amino acid conservation, physicochemical variation, residue mobility, and thermodynamic stability) performed at Invitae indicates that this missense variant is not expected to disrupt ATM protein function. In summary, the available evidence is currently insufficient to determine the role of this variant in disease. Therefore, it has been classified as a Variant of Uncertain Significance.